The following is an entry in ClinVar:

ClinVar aggregate classification (germline): Uncertain significance (1 of 4 stars; one submission).

Submission:

Dasa
Classification: Uncertain significance. Last evaluated: 2025-10-23. Review status: criteria provided, single submitter. Criteria: DASA Assertion Criteria. Collection method: clinical testing. Allele origin: germline.
Comment: NM_005273.4(GNB2):c.257C>T (p.Thr86Ile) is a missense variant that results in the substitution of threonine with isoleucine. The affected residue or protein region has prior evidence supporting clinical relevance. This variant is absent from population databases. The currently available literature and clinical evidence are not sufficient to establish a definitive association between this variant and the reported condition. Therefore, this variant is classified as a variant of uncertain significance.

NM_005273.4(GNB2):c.257C>T (p.Thr86Ile)

Gene: GNB2 (G protein subunit beta 2; plus strand). Cytogenetic location: 7q22.1.
Variant type: single nucleotide variant.
Coding change: c.257C>T on transcript NM_005273.4 (MANE Select); coding-DNA position 257, C replaced by T.
Protein change: p.Thr86Ile; replaces threonine 86 with isoleucine.
Molecular consequence: missense variant.
Genome position (GRCh38, 1-based): chr7:100,677,405, C>T. VCF-style: chr7-100677405-C-T. GRCh37 (hg19) VCF-style: chr7-100275028-C-T.
Other names: short protein forms T86I.
Identifiers: ClinVar variation 5020823 (VCV005020823.1).